The following is an entry in ClinVar:

ClinVar aggregate classification (germline): Uncertain significance. Review status: criteria provided, multiple submitters, no conflicts (2 of 4 stars). 2 submissions from 2 submitters: Uncertain significance (2). Last evaluated 2026-06-17.

Conditions:
Hereditary cancer-predisposing syndrome. Also called: Tumor predisposition; Hereditary neoplastic syndrome; Hereditary Cancer Syndrome; Neoplastic Syndromes, Hereditary. Identifiers: Orphanet 140162, MedGen C0027672, MeSH D009386, MONDO:0015356.
Pheochromocytoma/paraganglioma syndrome 4. Also called: SDHB-Related Hereditary Paraganglioma-Pheochromocytoma Syndrome (Paragangliomas 4); SDHB-Related Hereditary Paraganglioma-Pheochromocytoma Syndrome; CAROTID BODY TUMORS AND MULTIPLE EXTRAADRENAL PHEOCHROMOCYTOMAS; PARAGANGLIOMA, FAMILIAL MALIGNANT; PARAGANGLIOMAS, HEREDITARY EXTRAADRENAL; PHEOCHROMOCYTOMA, FAMILIAL EXTRAADRENAL. Identifiers: Orphanet 29072, MedGen C1861848, MONDO:0007273, OMIM 115310.
Pheochromocytoma. Also called: MAX-Related Hereditary Paraganglioma-Pheochromocytoma Syndrome. Identifiers: Orphanet 29072, MedGen C0031511, MONDO:0008233, OMIM 171300, HP:0002666.
Gastrointestinal stromal tumor. Also called: Gastrointestinal stromal tumor, somatic; Gastrointestinal stroma tumor. Identifiers: Orphanet 44890, MedGen C0238198, MeSH D046152, MONDO:0011719, OMIM 606764, HP:0100723.

gnomAD v4.1: 3 of 1,613,048 alleles (0.00019%); highest among the groups gnomAD compares: African/African-American, 0.0013%; no homozygotes.

Submissions (2):

Ambry Genetics
Classification: Uncertain significance for Hereditary cancer-predisposing syndrome. Last evaluated: 2026-06-17. Review status: criteria provided, single submitter. Criteria: Ambry Variant Classification Scheme 2023. Collection method: clinical testing. Allele origin: germline.
Comment: The p.Y273H variant (also known as c.817T>C), located in coding exon 8 of the SDHB gene, results from a T to C substitution at nucleotide position 817. The tyrosine at codon 273 is replaced by histidine, an amino acid with similar properties. This amino acid position is highly conserved in available vertebrate species. In addition, this alteration is predicted to be deleterious by in silico analysis. Based on the available evidence, the clinical significance of this variant remains unclear.

Labcorp Genetics (formerly Invitae), Labcorp
Classification: Uncertain significance for Gastrointestinal stromal tumor; Pheochromocytoma/paraganglioma syndrome 4; Pheochromocytoma. Last evaluated: 2025-01-03. Review status: criteria provided, single submitter. Criteria: Invitae Variant Classification Sherloc (09022015). Collection method: clinical testing. Allele origin: germline.
Comment: This sequence change replaces tyrosine, which is neutral and polar, with histidine, which is basic and polar, at codon 273 of the SDHB protein (p.Tyr273His). This variant is not present in population databases (gnomAD no frequency). This variant has not been reported in the literature in individuals affected with SDHB-related conditions. Invitae Evidence Modeling of protein sequence and biophysical properties (such as structural, functional, and spatial information, amino acid conservation, physicochemical variation, residue mobility, and thermodynamic stability) indicates that this missense variant is not expected to disrupt SDHB protein function with a negative predictive value of 95%. In summary, the available evidence is currently insufficient to determine the role of this variant in disease. Therefore, it has been classified as a Variant of Uncertain Significance.

NM_003000.3(SDHB):c.817T>C (p.Tyr273His)

Gene: SDHB (succinate dehydrogenase complex iron sulfur subunit B; minus strand). Cytogenetic location: 1p36.13.
Variant type: single nucleotide variant.
Coding change: c.817T>C on transcript NM_003000.3 (MANE Select); coding-DNA position 817, T replaced by C.
Protein change: p.Tyr273His; replaces tyrosine 273 with histidine.
Molecular consequence: missense variant.
Genome position (GRCh38, 1-based): chr1:17,018,907, A>G on the plus strand (T>C on the coding strand, the complement: SDHB is on the minus strand). VCF-style: chr1-17018907-A-G. GRCh37 (hg19) VCF-style: chr1-17345402-A-G.
Other names: c.763T>C, p.Tyr255His (NM_001407361.1); short protein forms Y255H, Y273H.
Identifiers: ClinVar variation 3763063 (VCV003763063.2).